The following is an entry in ClinVar:

NM_001350814.2(GRB10):c.747C>T (p.Tyr249=)

Gene: GRB10 (growth factor receptor bound protein 10; minus strand). Cytogenetic location: 7p12.1.
Variant type: single nucleotide variant.
Coding change: c.747C>T on transcript NM_001350814.2 (MANE Select); coding-DNA position 747, C replaced by T.
Protein change: p.Tyr249=; no amino-acid change (tyrosine 249 retained).
Molecular consequence: synonymous variant.
Genome position (GRCh38, 1-based): chr7:50,619,200, G>A on the plus strand (C>T on the coding strand, the complement: GRB10 is on the minus strand). VCF-style: chr7-50619200-G-A. GRCh37 (hg19) VCF-style: chr7-50686897-G-A.
Other names: c.747C>T, p.Tyr249= (NM_001001549.3); c.573C>T, p.Tyr191= (NM_001001550.3, NM_001001555.3, NM_001350816.3 and 1 more transcripts); c.861C>T, p.Tyr287= (NM_001350815.2); c.894C>T, p.Tyr298= (NM_001371009.1).
Identifiers: ClinVar variation 3058605 (VCV003058605.2), dbSNP rs1800505, ClinGen allele CA4262864.

ClinVar aggregate classification (germline): Likely benign (0 of 4 stars; one submission).

Conditions:
GRB10-related disorder. Also called: GRB10-related condition.

Allele frequency attached by ClinVar (database versions not stated): gnomAD exomes 0.00003; ExAC 0.00010; gnomAD 0.00018; TOPMed 0.00022; ESP Exome Variant Server 0.00025; 1000 Genomes Project 30x 0.00078; 1000 Genomes Project 0.00080.
gnomAD v4.1: 73 of 1,610,706 alleles (0.0045%); highest among the groups gnomAD compares: African/African-American, 0.052%; no homozygotes.

Submission:

PreventionGenetics, part of Exact Sciences
Classification: Likely benign for GRB10-related condition. Last evaluated: 2019-02-19. Review status: no assertion criteria provided. Collection method: clinical testing. Allele origin: germline.
Comment: This variant is classified as likely benign based on ACMG/AMP sequence variant interpretation guidelines (Richards et al. 2015 PMID: 25741868, with internal and published modifications).